The following is an entry in ClinVar:

NM_001429.4(EP300):c.4857C>G (p.Ile1619Met)

Gene: EP300 (EP300 lysine acetyltransferase; plus strand). Cytogenetic location: 22q13.2.
Variant type: single nucleotide variant.
Coding change: c.4857C>G on transcript NM_001429.4 (MANE Select); coding-DNA position 4857, C replaced by G.
Protein change: p.Ile1619Met; replaces isoleucine 1619 with methionine.
Molecular consequence: missense variant.
Genome position (GRCh38, 1-based): chr22:41,176,324, C>G. VCF-style: chr22-41176324-C-G. GRCh37 (hg19) VCF-style: chr22-41572328-C-G.
Other names: c.4779C>G, p.Ile1593Met (NM_001362843.2); short protein forms I1593M, I1619M.
Identifiers: ClinVar variation 1996090 (VCV001996090.4), dbSNP rs1021520881, ClinGen allele CA411706973.

ClinVar aggregate classification (germline): Uncertain significance (1 of 4 stars; one submission).

Conditions:
Rubinstein-Taybi syndrome due to EP300 haploinsufficiency. Also called: EP300-Related Rubinstein-Taybi Syndrome; RUBINSTEIN-TAYBI SYNDROME 2. Identifiers: Orphanet 353284, Orphanet 783, MedGen C3150941, MONDO:0013364, OMIM 613684.

gnomAD v4.1: 8 of 1,614,232 alleles (0.0005%); highest among the groups gnomAD compares: Non-Finnish European, 0.00059%; no homozygotes.

Submission:

Labcorp Genetics (formerly Invitae), Labcorp
Classification: Uncertain significance for Rubinstein-Taybi syndrome due to EP300 haploinsufficiency. Last evaluated: 2022-11-28. Review status: criteria provided, single submitter. Criteria: Invitae Variant Classification Sherloc (09022015). Collection method: clinical testing. Allele origin: germline.
Comment: This sequence change replaces isoleucine, which is neutral and non-polar, with methionine, which is neutral and non-polar, at codon 1619 of the EP300 protein (p.Ile1619Met). This variant is not present in population databases (gnomAD no frequency). This variant has not been reported in the literature in individuals affected with EP300-related conditions. Advanced modeling of protein sequence and biophysical properties (such as structural, functional, and spatial information, amino acid conservation, physicochemical variation, residue mobility, and thermodynamic stability) performed at Invitae indicates that this missense variant is not expected to disrupt EP300 protein function. In summary, the available evidence is currently insufficient to determine the role of this variant in disease. Therefore, it has been classified as a Variant of Uncertain Significance.